The following is an entry in ClinVar:

NM_004370.6(COL12A1):c.8554C>T (p.Pro2852Ser)

Gene: COL12A1 (collagen type XII alpha 1 chain; minus strand). Cytogenetic location: 6q13.
Variant type: single nucleotide variant.
Coding change: c.8554C>T on transcript NM_004370.6 (MANE Select); coding-DNA position 8554, C replaced by T.
Protein change: p.Pro2852Ser; replaces proline 2852 with serine.
Molecular consequence: missense variant.
Genome position (GRCh38, 1-based): chr6:75,097,276, G>A on the plus strand (C>T on the coding strand, the complement: COL12A1 is on the minus strand). VCF-style: chr6-75097276-G-A. GRCh37 (hg19) VCF-style: chr6-75806992-G-A.
Other names: p.Pro2852Ser; c.5062C>T, p.Pro1688Ser (NM_080645.3); short protein forms P1688S, P2852S.
Identifiers: ClinVar variation 835422 (VCV000835422.36), dbSNP rs200375837, ClinGen allele CA3892217.

ClinVar aggregate classification (germline): Conflicting classifications of pathogenicity. Review status: criteria provided, conflicting classifications (1 of 4 stars). 6 submissions from 6 submitters: Uncertain significance (4); Likely benign (1). 1 of the submissions does not count toward it. Last evaluated 2026-01-30.

Conditions:
COL12A1-related disorder. Also called: COL12A1-related condition.
Bethlem myopathy 2 (BTHLM2). Identifiers: Orphanet 536516, Orphanet 610, MedGen C4225313, MONDO:0034022, OMIM 616471.
Ullrich congenital muscular dystrophy 2 (UCMD2). Identifiers: Orphanet 75840, MedGen C4225314, MONDO:0014654, OMIM 616470.

Allele frequency attached by ClinVar (database versions not stated): ESP Exome Variant Server 0.00008; gnomAD 0.00008 and 0.00009; ExAC 0.00009; TOPMed 0.00009; gnomAD exomes 0.00010 and 0.00013.
gnomAD v4.1: 200 of 1,613,754 alleles (0.012%); highest among the groups gnomAD compares: Non-Finnish European, 0.016%; no homozygotes.

Submissions (6):

Labcorp Genetics (formerly Invitae), Labcorp
Classification: Likely benign for Bethlem myopathy 2; Ullrich congenital muscular dystrophy 2. Last evaluated: 2026-01-30. Review status: criteria provided, single submitter. Criteria: Invitae Variant Classification Sherloc (09022015). Collection method: clinical testing. Allele origin: germline.

GeneDx
Classification: Uncertain significance. Last evaluated: 2024-12-31. Review status: criteria provided, single submitter. Criteria: GeneDx Variant Classification Process June 2021. Collection method: clinical testing. Allele origin: germline. Affected: yes.
Comment: Has not been previously published as pathogenic or benign to our knowledge; In silico analysis supports that this missense variant has a deleterious effect on protein structure/function

Mayo Clinic Laboratories, Mayo Clinic
Classification: Uncertain significance. Last evaluated: 2024-05-20. Review status: criteria provided, single submitter. Criteria: ACMG Guidelines, 2015. Collection method: clinical testing. Allele origin: germline. Observed: 1 variant allele.

CeGaT Center for Human Genetics Tuebingen
Classification: Uncertain significance. Last evaluated: 2023-11-01. Review status: criteria provided, single submitter. Criteria: CeGaT Center For Human Genetics Tuebingen Variant Classification Criteria Version 2. Collection method: clinical testing. Allele origin: germline. Affected: yes. Observed: 1 variant allele.

Revvity Omics, Revvity
Classification: Uncertain significance. Last evaluated: 2023-09-13. Review status: criteria provided, single submitter. Criteria: ACMG Guidelines, 2015. Collection method: clinical testing. Allele origin: germline.

PreventionGenetics, part of Exact Sciences
Classification: Uncertain significance for COL12A1-related condition. Last evaluated: 2024-09-17. Review status: no assertion criteria provided. Collection method: clinical testing. Allele origin: germline. Not counted in ClinVar's aggregate classification.
Comment: The COL12A1 c.8554C>T variant is predicted to result in the amino acid substitution p.Pro2852Ser. To our knowledge, this variant has not been reported in the literature. This variant is reported in 0.019% of alleles in individuals of European (Non-Finnish) descent in gnomAD. At this time, the clinical significance of this variant is uncertain due to the absence of conclusive functional and genetic evidence.